The following is an entry in ClinVar:

ClinVar aggregate classification (germline): Uncertain significance (1 of 4 stars; one submission).

gnomAD v4.1: 8 of 1,611,392 alleles (0.0005%); highest among the groups gnomAD compares: Non-Finnish European, 0.00068%; no homozygotes.

Submission:

Dasa
Classification: Uncertain significance. Last evaluated: 2026-04-27. Review status: criteria provided, single submitter. Criteria: DASA Assertion Criteria. Collection method: clinical testing. Allele origin: germline.
Comment: NM_001394067.2(RAPGEF2):c.1097T>C (p.Met366Thr) is a missense variant that results in the substitution of methionine with threonine. This variant is rare in population databases. Computational prediction algorithms are consistent with a deleterious effect. The currently available literature and clinical evidence are not sufficient to establish a definitive association between this variant and the reported condition. Therefore, this variant is classified as a variant of uncertain significance.

NM_001394067.2(RAPGEF2):c.1097T>C (p.Met366Thr)

Gene: RAPGEF2 (Rap guanine nucleotide exchange factor 2; plus strand). Cytogenetic location: 4q32.1.
Variant type: single nucleotide variant.
Coding change: c.1097T>C on transcript NM_001394067.2 (MANE Select); coding-DNA position 1097, T replaced by C.
Protein change: p.Met366Thr; replaces methionine 366 with threonine.
Molecular consequence: missense variant.
Genome position (GRCh38, 1-based): chr4:159,323,565, T>C. VCF-style: chr4-159323565-T-C. GRCh37 (hg19) VCF-style: chr4-160244717-T-C.
Other names: c.1097T>C, p.Met366Thr (NM_001351724.5); c.749T>C, p.Met250Thr (NM_001351725.2, NM_001351726.3); c.614T>C, p.Met205Thr (NM_001351727.4, NM_001351728.4, NM_014247.5); short protein forms M205T, M250T, M366T.
Identifiers: ClinVar variation 4880960 (VCV004880960.2).
Genomic context (GRCh38, chr4:159,323,565, plus strand): 5'-ATCCAGATGGAAAAGCAGAAATACTGTGCATGGGAAATAGTTTTGGTGTCTCTCCTACCA[T>C]GGACAAAGAATACATGAAAGGAGTGATGAGAACAAAGGTGGATGACTGCCAGGTATAAAA-3'
Protein context (NP_001380996.1, residues 356-376): MGNSFGVSPT[Met366Thr]DKEYMKGVMR